The following is an entry in ClinVar:

NM_017999.5(RNF31):c.2584A>G (p.Met862Val)

Gene: RNF31 (ring finger protein 31; plus strand). Cytogenetic location: 14q12.
Variant type: single nucleotide variant.
Coding change: c.2584A>G on transcript NM_017999.5 (MANE Select); coding-DNA position 2584, A replaced by G.
Protein change: p.Met862Val; replaces methionine 862 with valine.
Molecular consequence: missense variant.
Genome position (GRCh38, 1-based): chr14:24,157,380, A>G. VCF-style: chr14-24157380-A-G. GRCh37 (hg19) VCF-style: chr14-24626589-A-G.
Other names: c.2131A>G, p.Met711Val (NM_001310332.2); short protein forms M711V, M862V.
Identifiers: ClinVar variation 1925959 (VCV001925959.5), dbSNP rs762562217, ClinGen allele CA7126103.

ClinVar aggregate classification (germline): Uncertain significance (1 of 4 stars; one submission).

Allele frequency attached by ClinVar (database versions not stated): gnomAD exomes 0.00001; TOPMed 0.00001; ExAC 0.00002.
gnomAD v4.1: 8 of 1,610,950 alleles (0.0005%); highest among the groups gnomAD compares: South Asian, 0.0011%; no homozygotes.

Submission:

Labcorp Genetics (formerly Invitae), Labcorp
Classification: Uncertain significance. Last evaluated: 2025-01-27. Review status: criteria provided, single submitter. Criteria: Invitae Variant Classification Sherloc (09022015). Collection method: clinical testing. Allele origin: germline.
Comment: This sequence change replaces methionine, which is neutral and non-polar, with valine, which is neutral and non-polar, at codon 862 of the RNF31 protein (p.Met862Val). This variant is present in population databases (rs762562217, gnomAD 0.003%). This variant has not been reported in the literature in individuals affected with RNF31-related conditions. ClinVar contains an entry for this variant (Variation ID: 1925959). An algorithm developed to predict the effect of missense changes on protein structure and function (PolyPhen-2) suggests that this variant is likely to be tolerated. In summary, the available evidence is currently insufficient to determine the role of this variant in disease. Therefore, it has been classified as a Variant of Uncertain Significance.